The following is an entry in ClinVar:

ClinVar aggregate classification (germline): Likely pathogenic (1 of 4 stars; one submission).

Submission:

Athena Diagnostics
Classification: Likely pathogenic. Last evaluated: 2024-09-27. Review status: criteria provided, single submitter. Criteria: Athena Diagnostics Criteria. Collection method: clinical testing. Allele origin: unknown.
Comment: This variant is expected to result in the loss of a functional protein. This variant has not been reported in large, multi-ethnic general populations.

NM_182961.4(SYNE1):c.18298_18299del (p.Leu6100fs)

Gene: SYNE1 (spectrin repeat containing nuclear envelope protein 1; minus strand). Cytogenetic location: 6q25.2.
Variant type: Deletion.
Coding change: c.18298_18299del on transcript NM_182961.4 (MANE Select); coding-DNA positions 18298 to 18299, 2 bases deleted (TT; older notation c.18298_18299delTT).
Protein change: p.Leu6100fs; shifts the reading frame from leucine 6100.
Molecular consequence: frameshift variant.
Genome position (GRCh38, 1-based): chr6:152,281,889-152,281,890, AA deleted on the plus strand (TT on the coding strand, the reverse complement: SYNE1 is on the minus strand). VCF-style (leftmost placement, unchanged base first): chr6-152281888-CAA-C. GRCh37 (hg19) VCF-style: chr6-152603023-CAA-C.
Other names: c.18085_18086del, p.Leu6029fs (NM_033071.5); short protein forms L6029fs, L6100fs.
Identifiers: ClinVar variation 3571997 (VCV003571997.1).